The following is an entry in ClinVar:

NM_003128.3(SPTBN1):c.1989G>A (p.Ser663=)

Gene: SPTBN1 (spectrin beta, non-erythrocytic 1; plus strand). Cytogenetic location: 2p16.2.
Variant type: single nucleotide variant.
Coding change: c.1989G>A on transcript NM_003128.3 (MANE Select); coding-DNA position 1989, G replaced by A.
Protein change: p.Ser663=; no amino-acid change (serine 663 retained).
Molecular consequence: synonymous variant.
Genome position (GRCh38, 1-based): chr2:54,629,123, G>A. VCF-style: chr2-54629123-G-A. GRCh37 (hg19) VCF-style: chr2-54856260-G-A.
Other names: c.1950G>A, p.Ser650= (NM_178313.3).
Identifiers: ClinVar variation 3898253 (VCV003898253.7).

ClinVar aggregate classification (germline): Likely benign (1 of 4 stars; one submission).

gnomAD v4.1: 168 of 1,613,510 alleles (0.01%); highest among the groups gnomAD compares: Non-Finnish European, 0.013%; no homozygotes.

Submission:

CeGaT Center for Human Genetics Tuebingen
Classification: Likely benign. Last evaluated: 2025-09-01. Review status: criteria provided, single submitter. Criteria: CeGaT Center For Human Genetics Tuebingen Variant Classification Criteria Version 2. Collection method: clinical testing. Allele origin: germline. Affected: yes. Observed: 2 variant alleles.
Comment: SPTBN1: BP4, BP7